The following is an entry in ClinVar:

ClinVar aggregate classification (germline): Uncertain significance (1 of 4 stars; one submission).

Conditions:
NCOA1-related disorder. Also called: NCOA1-related condition.

gnomAD v4.1: 5 of 1,613,806 alleles (0.00031%); highest among the groups gnomAD compares: Non-Finnish European, 0.00034%; no homozygotes.

Submission:

PreventionGenetics, part of Exact Sciences
Classification: Uncertain significance for NCOA1-related condition. Last evaluated: 2025-03-20. Review status: criteria provided, single submitter. Criteria: ACMG Guidelines, 2015. Collection method: clinical testing. Allele origin: germline.
Comment: The NCOA1 c.1063C>G variant is predicted to result in the amino acid substitution p.Gln355Glu. To our knowledge, this variant has not been reported in the literature. This variant is reported in 0.0031% of alleles in individuals of European (Non-Finnish) descent in gnomAD. At this time, the clinical significance of this variant is uncertain due to the absence of conclusive functional and genetic evidence.

NM_003743.5(NCOA1):c.1063C>G (p.Gln355Glu)

Gene: NCOA1 (nuclear receptor coactivator 1; plus strand). Cytogenetic location: 2p23.3.
Variant type: single nucleotide variant.
Coding change: c.1063C>G on transcript NM_003743.5 (MANE Select); coding-DNA position 1063, C replaced by G.
Protein change: p.Gln355Glu; replaces glutamine 355 with glutamic acid.
Molecular consequence: missense variant.
Genome position (GRCh38, 1-based): chr2:24,705,199, C>G. VCF-style: chr2-24705199-C-G. GRCh37 (hg19) VCF-style: chr2-24928068-C-G.
Other names: c.1063C>G, p.Gln355Glu (NM_001362950.1, NM_001362952.1, NM_001362954.1 and 3 more transcripts); short protein forms Q355E.
Identifiers: ClinVar variation 4990064 (VCV004990064.1).
Genomic context (GRCh38, chr2:24,705,199, plus strand): 5'-GGGACAATGCTTAGCGCCCACACCAAGTGTAAACTTTGCTACCCTCAAAGTCCAGACATG[C>G]AACCTTTCATCATGGGAATTCATATCATCGACAGGTACTACTTATTTGGAGAGCTTCATA-3'
Protein context (NP_003734.3, residues 345-365): KLCYPQSPDM[Gln355Glu]PFIMGIHIID